The following is an entry in ClinVar:

ClinVar aggregate classification (germline): Uncertain significance. Review status: criteria provided, multiple submitters, no conflicts (2 of 4 stars). 2 submissions from 2 submitters: Uncertain significance (2). Last evaluated 2025-02-18.

Conditions:
Developmental and epileptic encephalopathy, 9 (DEE9). Also called: PCDH19-Related X-Linked Female-Limited Epilepsy with Mental Retardation; Early infantile epileptic encephalopathy 9; EPILEPSY, FEMALE-RESTRICTED, WITH MENTAL RETARDATION; JUBERG-HELLMAN SYNDROME. Identifiers: Orphanet 101039, Orphanet 2076, MedGen C1848137, MONDO:0010246, OMIM 300088. Disease mechanism: loss of function.

Submissions (2):

3billion
Classification: Uncertain significance for Developmental and epileptic encephalopathy, 9. Last evaluated: 2025-02-18. Review status: criteria provided, single submitter. Criteria: ACMG Guidelines, 2015. Collection method: clinical testing. Allele origin: germline. Affected: yes.
Comment: The variant is not observed in the gnomAD v4.1.0 dataset. Predicted Consequence/Location: Missense variant In silico tool predictions suggest damaging effect of the variant on gene or gene product [REVEL: 0.76 (>=0.6, sensitivity 0.68 and specificity 0.92); 3Cnet: 0.60 (>=0.6, sensitivity 0.72 and precision 0.9)]. A different missense change at the same codon (p.Gly648Arg) has been reported to be associated with PCDH19-related disorder (PMID: 32366910). However the evidence of pathogenicity is insufficient at this time. Therefore, this variant is classified as VUS according to the recommendation of ACMG/AMP guideline.

Labcorp Genetics (formerly Invitae), Labcorp
Classification: Uncertain significance for Developmental and epileptic encephalopathy, 9. Last evaluated: 2023-10-13. Review status: criteria provided, single submitter. Criteria: Invitae Variant Classification Sherloc (09022015). Collection method: clinical testing. Allele origin: germline.
Comment: This sequence change replaces glycine, which is neutral and non-polar, with serine, which is neutral and polar, at codon 648 of the PCDH19 protein (p.Gly648Ser). This variant is not present in population databases (gnomAD no frequency). This variant has not been reported in the literature in individuals affected with PCDH19-related conditions. Advanced modeling of protein sequence and biophysical properties (such as structural, functional, and spatial information, amino acid conservation, physicochemical variation, residue mobility, and thermodynamic stability) performed at Invitae indicates that this missense variant is expected to disrupt PCDH19 protein function. In summary, the available evidence is currently insufficient to determine the role of this variant in disease. Therefore, it has been classified as a Variant of Uncertain Significance.

Literature cited by the submitters: PubMed 32366910 (cited by 3billion).

NM_001184880.2(PCDH19):c.1942G>A (p.Gly648Ser)

Gene: PCDH19 (protocadherin 19; minus strand). Cytogenetic location: Xq22.1.
Variant type: single nucleotide variant.
Coding change: c.1942G>A on transcript NM_001184880.2 (MANE Select); coding-DNA position 1942, G replaced by A.
Protein change: p.Gly648Ser; replaces glycine 648 with serine.
Molecular consequence: missense variant.
Genome position (GRCh38, 1-based): chrX:100,406,656, C>T on the plus strand (G>A on the coding strand, the complement: PCDH19 is on the minus strand). VCF-style: chrX-100406656-C-T. GRCh37 (hg19) VCF-style: chrX-99661654-C-T.
Other names: c.1942G>A, p.Gly648Ser (NM_001105243.2, NM_020766.3); short protein forms G648S.
Identifiers: ClinVar variation 2769950 (VCV002769950.4), dbSNP rs1928357034, ClinGen allele CA414001631.